The following is an entry in ClinVar:

ClinVar aggregate classification (germline): Uncertain significance. Review status: criteria provided, multiple submitters, no conflicts (2 of 4 stars). 2 submissions from 2 submitters: Uncertain significance (2). Last evaluated 2023-06-25.

Conditions:
Juvenile myelomonocytic leukemia (JMML). Also called: LEUKEMIA, JUVENILE MYELOMONOCYTIC, SOMATIC. Identifiers: Orphanet 86834, MedGen C0349639, MONDO:0011908, OMIM 607785, HP:0012209.
Hereditary cancer-predisposing syndrome. Also called: Neoplastic Syndromes, Hereditary; Tumor predisposition; Hereditary Cancer Syndrome; Hereditary neoplastic syndrome. Identifiers: Orphanet 140162, MedGen C0027672, MeSH D009386, MONDO:0015356.

Submissions (2):

Baylor Genetics
Classification: Uncertain significance for Juvenile myelomonocytic leukemia. Last evaluated: 2023-06-25. Review status: criteria provided, single submitter. Criteria: ACMG Guidelines, 2015. Collection method: clinical testing. Allele origin: unknown.

Ambry Genetics
Classification: Uncertain significance for Hereditary cancer-predisposing syndrome. Last evaluated: 2015-09-02. Review status: criteria provided, single submitter. Criteria: Ambry Autosomal Dominant and X-Linked criteria (10/2015). Collection method: clinical testing. Allele origin: germline. Observed: 1 variant allele.
Comment: The p.I541V variant (also known as c.1621A>G), located in coding exon 14 of the NF1 gene, results from an A to G substitution at nucleotide position 1621. The isoleucine at codon 541 is replaced by valine, an amino acid with highly similar properties. This variant was not reported in population based cohorts in the following databases: Database of Single Nucleotide Polymorphisms (dbSNP), NHLBI Exome Sequencing Project (ESP), and 1000 Genomes Project. In the ESP, this variant was not observed in 6503 samples (13006 alleles) with coverage at this position. To date, this alteration has been detected with an allele frequency of approximately 0.002% (greater than 55000alleles tested) in our clinical cohort.This amino acid position is not well conserved in available vertebrate species. In addition, this alteration is predicted to be tolerated by in silico analysis.Since supporting evidence is limited at this time, the clinical significance of p.I541Vremains unclear.

NM_001042492.3(NF1):c.1621A>G (p.Ile541Val)

Gene: NF1 (neurofibromin 1; plus strand). Cytogenetic location: 17q11.2.
Variant type: single nucleotide variant.
Coding change: c.1621A>G on transcript NM_001042492.3 (MANE Select); coding-DNA position 1621, A replaced by G.
Protein change: p.Ile541Val; replaces isoleucine 541 with valine.
Molecular consequence: missense variant.
Genome position (GRCh38, 1-based): chr17:31,219,098, A>G. VCF-style: chr17-31219098-A-G. GRCh37 (hg19) VCF-style: chr17-29546116-A-G.
Other names: c.1621A>G, p.Ile541Val (NM_000267.4, NM_001128147.3); short protein forms I541V.
Identifiers: ClinVar variation 233774 (VCV000233774.4), dbSNP rs876660632, ClinGen allele CA10580229.